The following is an entry in ClinVar:

NM_001171.6(ABCC6):c.1308G>A (p.Trp436Ter)

Gene: ABCC6 (ATP binding cassette subfamily C member 6; minus strand). Cytogenetic location: 16p13.11.
Variant type: single nucleotide variant.
Coding change: c.1308G>A on transcript NM_001171.6 (MANE Select); coding-DNA position 1308, G replaced by A.
Protein change: p.Trp436Ter; replaces tryptophan 436 with a stop codon.
Molecular consequence: nonsense. On other transcripts: non-coding transcript variant (1).
Genome position (GRCh38, 1-based): chr16:16,198,051, C>T on the plus strand (G>A on the coding strand, the complement: ABCC6 is on the minus strand). VCF-style: chr16-16198051-C-T. GRCh37 (hg19) VCF-style: chr16-16291908-C-T.
Other names: c.966G>A, p.Trp322Ter (NM_001351800.1); short protein forms W436*, W322*.
Identifiers: ClinVar variation 2995746 (VCV002995746.3), dbSNP rs2511036319, ClinGen allele CA394890213.
Genomic context (GRCh38, chr16:16,198,051, plus strand): 5'-TTCAAATCCCGTCTTCCTCCTCTGGCATACCTGCCAGAGATAGACGAAGCAGACCACGAT[C>T]CAGACGAGAGGCAGCCACAGCCCGTTGAGGTAGAGGACGCTCTCGGTCAGCCGCTGCACG-3'

ClinVar aggregate classification (germline): Pathogenic (1 of 4 stars; one submission).

Allele frequency attached by ClinVar (database versions not stated): gnomAD exomes below 0.00001.
gnomAD v4.1: 4 of 1,614,180 alleles (0.00025%); highest among the groups gnomAD compares: Non-Finnish European, 0.00025%; no homozygotes.

Submission:

Labcorp Genetics (formerly Invitae), Labcorp
Classification: Pathogenic. Last evaluated: 2023-07-13. Review status: criteria provided, single submitter. Criteria: Invitae Variant Classification Sherloc (09022015). Collection method: clinical testing. Allele origin: germline.
Comment: This sequence change creates a premature translational stop signal (p.Trp436*) in the ABCC6 gene. It is expected to result in an absent or disrupted protein product. Loss-of-function variants in ABCC6 are known to be pathogenic (PMID: 11536079, 17617515). This variant is not present in population databases (gnomAD no frequency). For these reasons, this variant has been classified as Pathogenic. This premature translational stop signal has been observed in individual(s) with pseudoxanthoma elasticum (PMID: 34205333).

Literature cited by the submitters: PubMed 11536079; PubMed 17617515; PubMed 34205333.